The following is an entry in ClinVar:

NM_000043.6(FAS):c.913A>G (p.Thr305Ala)

Gene: FAS (Fas cell surface death receptor; plus strand). Cytogenetic location: 10q23.31.
Variant type: single nucleotide variant.
Coding change: c.913A>G on transcript NM_000043.6 (MANE Select); coding-DNA position 913, A replaced by G.
Protein change: p.Thr305Ala; replaces threonine 305 with alanine.
Molecular consequence: missense variant. On other transcripts: 3 prime UTR variant (2), non-coding transcript variant (7).
Genome position (GRCh38, 1-based): chr10:89,014,355, A>G. VCF-style: chr10-89014355-A-G. GRCh37 (hg19) VCF-style: chr10-90774112-A-G.
Other names: c.*236A>G (NM_001320619.2); c.958A>G, p.Thr320Ala (NM_001410956.1); c.850A>G, p.Thr284Ala (NM_152871.4); c.*225A>G (NM_152872.4); short protein forms T284A, T320A, T305A.
Identifiers: ClinVar variation 2966941 (VCV002966941.3), dbSNP rs2495229921, ClinGen allele CA377510098.
Genomic context (GRCh38, chr10:89,014,355, plus strand): 5'-CATGGAAAGAAAGAAGCGTATGACACATTGATTAAAGATCTCAAAAAAGCCAATCTTTGT[A>G]CTCTTGCAGAGAAAATTCAGACTATCATCCTCAAGGACATTACTAGTGACTCAGAAAATT-3'
Protein context (NP_000034.1, residues 295-315): IKDLKKANLC[Thr305Ala]LAEKIQTIIL

ClinVar aggregate classification (germline): Uncertain significance (1 of 4 stars; one submission).

Conditions:
Autoimmune lymphoproliferative syndrome type 1. Also called: AUTOIMMUNE LYMPHOPROLIFERATIVE SYNDROME, TYPE I, AUTOSOMAL DOMINANT. Identifiers: Orphanet 3261, MedGen C2717884, MONDO:0011158, OMIM 601859.

Submission:

Labcorp Genetics (formerly Invitae), Labcorp
Classification: Uncertain significance for Autoimmune lymphoproliferative syndrome. Last evaluated: 2023-03-26. Review status: criteria provided, single submitter. Criteria: Invitae Variant Classification Sherloc (09022015). Collection method: clinical testing. Allele origin: germline.
Comment: In summary, the available evidence is currently insufficient to determine the role of this variant in disease. Therefore, it has been classified as a Variant of Uncertain Significance. Advanced modeling of protein sequence and biophysical properties (such as structural, functional, and spatial information, amino acid conservation, physicochemical variation, residue mobility, and thermodynamic stability) performed at Invitae indicates that this missense variant is not expected to disrupt FAS protein function. This variant has not been reported in the literature in individuals affected with FAS-related conditions. This variant is not present in population databases (gnomAD no frequency). This sequence change replaces threonine, which is neutral and polar, with alanine, which is neutral and non-polar, at codon 305 of the FAS protein (p.Thr305Ala).